The following is an entry in ClinVar:

NM_004260.4(RECQL4):c.2594A>G (p.Glu865Gly)

Gene: RECQL4 (RecQ like helicase 4; minus strand). Cytogenetic location: 8q24.3.
Variant type: single nucleotide variant.
Coding change: c.2594A>G on transcript NM_004260.4 (MANE Select); coding-DNA position 2594, A replaced by G.
Protein change: p.Glu865Gly; replaces glutamic acid 865 with glycine.
Molecular consequence: missense variant.
Genome position (GRCh38, 1-based): chr8:144,513,008, T>C on the plus strand (A>G on the coding strand, the complement: RECQL4 is on the minus strand). VCF-style: chr8-144513008-T-C. GRCh37 (hg19) VCF-style: chr8-145738391-T-C.
Other names: short protein forms E865G.
Identifiers: ClinVar variation 1035135 (VCV001035135.2), dbSNP rs1827541741, ClinGen allele CA372676921.
Genomic context (GRCh38, chr8:144,513,008, plus strand): 5'-AGCTGCTCAGCCTCTTGAGGGGGGTACTTGGGCACAGGCCTCTCCCCACCCACGGCCCCT[T>C]CCTGCTCCGAGGGCGGCCTGGTGCAGGTGCAGGTGCAGGCTGGGAACACGCGCTGTACCA-3'
Protein context (NP_004251.4, residues 855-875): CTCTRPPSEQ[Glu865Gly]GAVGGERPVP

ClinVar aggregate classification (germline): Uncertain significance (1 of 4 stars; one submission).

Conditions:
Baller-Gerold syndrome (BGS). Also called: CRANIOSYNOSTOSIS WITH RADIAL DEFECTS. Identifiers: Orphanet 1225, MedGen C0265308, MONDO:0009039, OMIM 218600.

Submission:

Labcorp Genetics (formerly Invitae), Labcorp
Classification: Uncertain significance for Baller-Gerold syndrome. Last evaluated: 2022-09-19. Review status: criteria provided, single submitter. Criteria: Invitae Variant Classification Sherloc (09022015). Collection method: clinical testing. Allele origin: germline.
Comment: This sequence change replaces glutamic acid, which is acidic and polar, with glycine, which is neutral and non-polar, at codon 865 of the RECQL4 protein (p.Glu865Gly). This variant is not present in population databases (gnomAD no frequency). This variant has not been reported in the literature in individuals affected with RECQL4-related conditions. ClinVar contains an entry for this variant (Variation ID: 1035135). Experimental studies and prediction algorithms are not available or were not evaluated, and the functional significance of this variant is currently unknown. In summary, the available evidence is currently insufficient to determine the role of this variant in disease. Therefore, it has been classified as a Variant of Uncertain Significance.